The following is an entry in ClinVar:

NM_001854.4(COL11A1):c.3114G>A (p.Gln1038=)

Gene: COL11A1 (collagen type XI alpha 1 chain; minus strand). Cytogenetic location: 1p21.1.
Variant type: single nucleotide variant.
Coding change: c.3114G>A on transcript NM_001854.4 (MANE Select); coding-DNA position 3114, G replaced by A.
Protein change: p.Gln1038=; no amino-acid change (glutamine 1038 retained).
Molecular consequence: synonymous variant. On other transcripts: non-coding transcript variant (1).
Genome position (GRCh38, 1-based): chr1:102,962,176, C>T on the plus strand (G>A on the coding strand, the complement: COL11A1 is on the minus strand). VCF-style: chr1-102962176-C-T. GRCh37 (hg19) VCF-style: chr1-103427732-C-T.
Other names: c.2766G>A, p.Gln922= (NM_001168249.1, NM_080630.4); c.2997G>A, p.Gln999= (NM_001190709.2); c.3150G>A, p.Gln1050= (NM_080629.3).
Identifiers: ClinVar variation 1998690 (VCV001998690.4), dbSNP rs2524926639, ClinGen allele CA419197326.

ClinVar aggregate classification (germline): Uncertain significance (1 of 4 stars; one submission).

Submission:

Labcorp Genetics (formerly Invitae), Labcorp
Classification: Uncertain significance. Last evaluated: 2022-05-25. Review status: criteria provided, single submitter. Criteria: Invitae Variant Classification Sherloc (09022015). Collection method: clinical testing. Allele origin: germline.
Comment: In summary, the available evidence is currently insufficient to determine the role of this variant in disease. Therefore, it has been classified as a Variant of Uncertain Significance. Variants that disrupt the consensus splice site are a relatively common cause of aberrant splicing (PMID: 17576681, 9536098). Algorithms developed to predict the effect of sequence changes on RNA splicing suggest that this variant may disrupt the consensus splice site. This variant has not been reported in the literature in individuals affected with COL11A1-related conditions. This variant is not present in population databases (gnomAD no frequency). This sequence change affects codon 1038 of the COL11A1 mRNA. It is a 'silent' change, meaning that it does not change the encoded amino acid sequence of the COL11A1 protein. This variant also falls at the last nucleotide of exon 40, which is part of the consensus splice site for this exon.

Literature cited by the submitters: PubMed 17576681; PubMed 9536098.